The following is an entry in ClinVar:

ClinVar aggregate classification (germline): Pathogenic. Review status: criteria provided, multiple submitters, no conflicts (2 of 4 stars). 9 submissions from 9 submitters: Pathogenic (9). Last evaluated 2026-01-16.

Conditions:
Mucopolysaccharidosis type 6 (MPS6). Also called: ARSB DEFICIENCY; ARYLSULFATASE B DEFICIENCY; MPS 6; Maroteaux Lamy syndrome; N-ACETYLGALACTOSAMINE-4-SULFATASE DEFICIENCY; MPS VI. Identifiers: Orphanet 583, MedGen C0026709, MONDO:0009661, OMIM 253200.

Allele frequency attached by ClinVar (database versions not stated): gnomAD exomes 0.00001 and 0.00004; TOPMed 0.00003; gnomAD 0.00007 and 0.00008.
gnomAD v4.1: 71 of 1,614,012 alleles (0.0044%); highest among the groups gnomAD compares: Non-Finnish European, 0.0057%; no homozygotes.

Submissions (9):

Labcorp Genetics (formerly Invitae), Labcorp
Classification: Pathogenic for Mucopolysaccharidosis type 6. Last evaluated: 2026-01-16. Review status: criteria provided, single submitter. Criteria: Invitae Variant Classification Sherloc (09022015). Collection method: clinical testing. Allele origin: germline.
Comment: This sequence change replaces arginine, which is basic and polar, with tryptophan, which is neutral and slightly polar, at codon 152 of the ARSB protein (p.Arg152Trp). This variant is present in population databases (no rsID available, gnomAD 0.009%). This missense change has been observed in individuals with mucopolysaccharidosis type VI (PMID: 8125475, 17458871, 23557332, 24221504). It has also been observed to segregate with disease in related individuals. ClinVar contains an entry for this variant (Variation ID: 496789). Invitae Evidence Modeling of protein sequence and biophysical properties (such as structural, functional, and spatial information, amino acid conservation, physicochemical variation, residue mobility, and thermodynamic stability) indicates that this missense variant is expected to disrupt ARSB protein function with a positive predictive value of 95%. Experimental studies have shown that this missense change affects ARSB function (PMID: 23557332). For these reasons, this variant has been classified as Pathogenic.

Natera, Inc.
Classification: Pathogenic for Mucopolysaccharidosis type VI. Last evaluated: 2025-07-31. Review status: criteria provided, single submitter. Criteria: Natera Variant Classification Schema (03/2026). Collection method: clinical testing. Allele origin: germline.
Comment: The c.454C>T variant in ARSB is a missense variant predicted to cause substitution of arginine to tryptophan at amino acid 152. This variant is rare in the general population with a frequency below the threshold expected for the associated phenotype(s). This variant has been observed in one or more individuals affected with the associated recessive disease, as either homozygous or compound heterozygous with a second variant (PMID: 23557332, 24373060). Additionally, this variant has been observed to segregate in affected family members (PMID: 23557332). Given the available evidence, this variant is classified as Pathogenic.

CeGaT Center for Human Genetics Tuebingen
Classification: Pathogenic. Last evaluated: 2025-04-01. Review status: criteria provided, single submitter. Criteria: CeGaT Center For Human Genetics Tuebingen Variant Classification Criteria Version 2. Collection method: clinical testing. Allele origin: germline. Affected: yes. Observed: 1 variant allele.
Comment: ARSB: PM3:Very Strong, PM2, PP4, PS3:Supporting

Fulgent Genetics
Classification: Pathogenic for Mucopolysaccharidosis type 6. Last evaluated: 2024-06-07. Review status: criteria provided, single submitter. Criteria: ACMG Guidelines, 2015. Collection method: clinical testing. Allele origin: germline.

GeneDx
Classification: Pathogenic. Last evaluated: 2023-01-09. Review status: criteria provided, single submitter. Criteria: GeneDx Variant Classification Process June 2021. Collection method: clinical testing. Allele origin: germline. Affected: yes.
Comment: Published functional studies demonstrate significantly decreased ARSB activity compared to wild type and no expression of the mature ARSB enzyme (Brands et al., 2013); Not observed at significant frequency in large population cohorts (gnomAD); This variant is associated with the following publications: (PMID: 8125475, 31009684, 22441840, 28552677, 23557332, 22133300, 10923267, 17458871, 24875751, 23633437, 30118150, 35118118, 35052464, 33209960, 21917494, 24221504)

Women's Health and Genetics/Laboratory Corporation of America, LabCorp
Classification: Pathogenic for Mucopolysaccharidosis type 6. Last evaluated: 2022-11-10. Review status: criteria provided, single submitter. Criteria: LabCorp Variant Classification Summary - May 2015. Collection method: clinical testing. Allele origin: germline.
Comment: Variant summary: ARSB c.454C>T (p.Arg152Trp) results in a non-conservative amino acid change located in the Sulfatase, N-terminal domain (IPR000917) of the encoded protein sequence. Four of five in-silico tools predict a damaging effect of the variant on protein function. The variant allele was found at a frequency of 1.2e-05 in 251474 control chromosomes. c.454C>T has been reported in the literature as a biallelic homozygous/compound heterozygous genotype in multiple individuals affected with Mucopolysaccharidosis Type VI (Maroteaux-Lamy Syndrome) (example, Voskoboeva_1994, Karageorgos_2007, Jurecka_2014). These data indicate that the variant is very likely to be associated with disease. At least one publication reports experimental evidence evaluating an impact on protein function (Karageorgos_2007). The most pronounced variant effect results in <10% of normal activity in fibroblasts from an individual with a homozygous genotype. Four clinical diagnostic laboratories have submitted clinical-significance assessments for this variant to ClinVar after 2014 without evidence for independent evaluation. All laboratories classified the variant as pathogenic. Based on the evidence outlined above, the variant was classified as pathogenic.

Revvity Omics, Revvity
Classification: Pathogenic for Mucopolysaccharidosis type 6. Last evaluated: 2022-03-02. Review status: criteria provided, single submitter. Criteria: ACMG Guidelines, 2015. Collection method: clinical testing. Allele origin: germline.

Laboratory of Diagnosis and Therapy of Lysosomal Disorders, University of Padova
Classification: Pathogenic for Mucopolysaccharidosis type 6. Last evaluated: 2018-01-01. Review status: criteria provided, single submitter. Criteria: ACMG Guidelines, 2015. Collection method: curation. Allele origin: germline. Affected: yes.
Comment: In vitro functional studies supportive of a damaging effect on the gene product (low to no ARSB activity in homozygotes; PS3); Prevalence of variant in affected is significantly increased compared to controls (PS4); Very low frequence in GnomAd (PM2);Reputable source identifies as pathogenic (PP5)

Eurofins Ntd Llc (ga)
Classification: Pathogenic. Last evaluated: 2016-12-29. Review status: criteria provided, single submitter. Criteria: EGL Classification Definitions 2015. Collection method: clinical testing. Allele origin: germline. Observed: 4 variant alleles, 4 heterozygotes.

Literature cited by the submitters: PubMed 8125475 (cited by Labcorp Genetics (formerly Invitae), Labcorp and Women's Health and Genetics/Laboratory Corporation of America, LabCorp); PubMed 17458871 (cited by 3 submitters); PubMed 23557332 (cited by 3 submitters); PubMed 24221504 (cited by Labcorp Genetics (formerly Invitae), Labcorp and Women's Health and Genetics/Laboratory Corporation of America, LabCorp); PubMed 24373060 (cited by Natera, Inc. and Laboratory of Diagnosis and Therapy of Lysosomal Disorders, University of Padova); PubMed 21917494 (cited by Laboratory of Diagnosis and Therapy of Lysosomal Disorders, University of Padova); PubMed 22133300 (cited by Laboratory of Diagnosis and Therapy of Lysosomal Disorders, University of Padova); PubMed 23633437 (cited by Laboratory of Diagnosis and Therapy of Lysosomal Disorders, University of Padova); PubMed 10923267 (cited by Laboratory of Diagnosis and Therapy of Lysosomal Disorders, University of Padova); PubMed 22441840 (cited by Laboratory of Diagnosis and Therapy of Lysosomal Disorders, University of Padova); PubMed 24875751 (cited by Laboratory of Diagnosis and Therapy of Lysosomal Disorders, University of Padova); PubMed 30118150 (cited by Laboratory of Diagnosis and Therapy of Lysosomal Disorders, University of Padova).

NM_000046.5(ARSB):c.454C>T (p.Arg152Trp)

Gene: ARSB (arylsulfatase B; minus strand). Cytogenetic location: 5q14.1.
Variant type: single nucleotide variant.
Coding change: c.454C>T on transcript NM_000046.5 (MANE Select); coding-DNA position 454, C replaced by T.
Protein change: p.Arg152Trp; replaces arginine 152 with tryptophan.
Molecular consequence: missense variant.
Genome position (GRCh38, 1-based): chr5:78,969,051, G>A on the plus strand (C>T on the coding strand, the complement: ARSB is on the minus strand). VCF-style: chr5-78969051-G-A. GRCh37 (hg19) VCF-style: chr5-78264874-G-A.
Other names: c.454C>T, p.Arg152Trp (NM_198709.3); short protein forms R152W.
Identifiers: ClinVar variation 496789 (VCV000496789.29), dbSNP rs991104525, ClinGen allele CA121107804.